The following is an entry in ClinVar:

NM_012158.4(FBXL3):c.438A>C (p.Ser146=)

Gene: FBXL3 (F-box and leucine rich repeat protein 3; minus strand). Cytogenetic location: 13q22.3.
Variant type: single nucleotide variant.
Coding change: c.438A>C on transcript NM_012158.4 (MANE Select); coding-DNA position 438, A replaced by C.
Protein change: p.Ser146=; no amino-acid change (serine 146 retained).
Molecular consequence: synonymous variant.
Genome position (GRCh38, 1-based): chr13:77,018,633, T>G on the plus strand (A>C on the coding strand, the complement: FBXL3 is on the minus strand). VCF-style: chr13-77018633-T-G. GRCh37 (hg19) VCF-style: chr13-77592768-T-G.
Identifiers: ClinVar variation 2643849 (VCV002643849.24), dbSNP rs2501218071, ClinGen allele CA484336667.
Genomic context (GRCh38, chr13:77,018,633, plus strand): 5'-AGATAATAAAACAAAAACAGCAGATACCTTTGGTAAATCCATAAAGCTTGGTCGAGCAGT[T>G]GAAATAAGTCCAAGTGTTTTTAAAGAGCAATTCACAAGTTGCGATAGTATATCACAAGCT-3'
Protein context (NP_036290.1, residues 136-156): NCSLKTLGLI[Ser146=]TARPSFMDLP

ClinVar aggregate classification (germline): Likely benign (1 of 4 stars; one submission).

gnomAD v4.1: 1 of 1,597,796 alleles (0.000063%); highest among the groups gnomAD compares: South Asian, 0.0011%; no homozygotes.

Submission:

CeGaT Center for Human Genetics Tuebingen
Classification: Likely benign. Last evaluated: 2022-05-01. Review status: criteria provided, single submitter. Criteria: CeGaT Center For Human Genetics Tuebingen Variant Classification Criteria Version 2. Collection method: clinical testing. Allele origin: germline. Affected: yes. Observed: 1 variant allele.
Comment: FBXL3: PM2:Supporting, BP4, BP7